The following is an entry in ClinVar:

ClinVar aggregate classification (germline): Uncertain significance (1 of 4 stars; one submission).

Conditions:
Cardiovascular phenotype. Identifiers: MedGen CN230736.

Submission:

Ambry Genetics
Classification: Uncertain significance for Cardiovascular phenotype. Last evaluated: 2021-11-24. Review status: criteria provided, single submitter. Criteria: Ambry Variant Classification Scheme 2023. Collection method: clinical testing. Allele origin: germline.
Comment: The p.L348Q variant (also known as c.1043T>A), located in coding exon 1 of the FKRP gene, results from a T to A substitution at nucleotide position 1043. The leucine at codon 348 is replaced by glutamine, an amino acid with dissimilar properties. This amino acid position is conserved. In addition, this alteration is predicted to be deleterious by in silico analysis. Since supporting evidence is limited at this time, the clinical significance of this alteration remains unclear.

NM_024301.5(FKRP):c.1043T>A (p.Leu348Gln)

Gene: FKRP (fukutin related protein; plus strand). Cytogenetic location: 19q13.32.
Variant type: single nucleotide variant.
Coding change: c.1043T>A on transcript NM_024301.5 (MANE Select); coding-DNA position 1043, T replaced by A.
Protein change: p.Leu348Gln; replaces leucine 348 with glutamine.
Molecular consequence: missense variant.
Genome position (GRCh38, 1-based): chr19:46,756,493, T>A. VCF-style: chr19-46756493-T-A. GRCh37 (hg19) VCF-style: chr19-47259750-T-A.
Other names: c.1043T>A, p.Leu348Gln (NM_001039885.3); short protein forms L348Q.
Identifiers: ClinVar variation 1774763 (VCV001774763.2), dbSNP rs878922067, ClinGen allele CA406496531.